The following is an entry in ClinVar:

ClinVar aggregate classification (germline): Uncertain significance (1 of 4 stars; one submission).

Conditions:
Neuromuscular disease. Also called: Neuromuscular disorder; Neuromyopathy. Identifiers: Orphanet 68381, MedGen C0027868, MeSH D009468, MONDO:0019056.

Submission:

Broad Center for Mendelian Genomics, Broad Institute of MIT and Harvard
Classification: Uncertain significance for Neuromuscular disease. Last evaluated: 2024-11-21. Review status: criteria provided, single submitter. Criteria: ACMG Guidelines, 2015. Collection method: curation. Allele origin: germline. Inheritance: Autosomal recessive inheritance. Study: GREGoR Consortium.
Comment: While this gene is still lacking sufficient evidence to establish a gene-disease relationship, we believe this is a possible novel mode of inheritance for MYH8. Given the limited information about this gene-disease relationship, the significance of the MYH8 variant is uncertain. If you have any additional information about functional evidence or other individuals with this phenotype that also have recessive variants in MYH8 we encourage you to reach out to us.

NM_002472.3(MYH8):c.2381T>C (p.Val794Ala)

Genes: MYH8 (myosin heavy chain 8; minus strand), MYHAS (myosin heavy chain gene cluster antisense RNA; plus strand). Cytogenetic location: 17p13.1.
Variant type: single nucleotide variant.
Coding change: c.2381T>C on transcript NM_002472.3 (MANE Select); coding-DNA position 2381, T replaced by C.
Protein change: p.Val794Ala; replaces valine 794 with alanine.
Molecular consequence: missense variant.
Genome position (GRCh38, 1-based): chr17:10,406,092, A>G on the plus strand (T>C on the coding strand, the complement: MYH8 is on the minus strand). VCF-style: chr17-10406092-A-G. GRCh37 (hg19) VCF-style: chr17-10309409-A-G.
Other names: NM_002472.3:c.2381T>C; short protein forms V794A.
Identifiers: ClinVar variation 3383288 (VCV003383288.1).